The following is an entry in ClinVar:

NM_000238.4(KCNH2):c.3107_3127del (p.Gly1036_Leu1042del)

Gene: KCNH2 (potassium voltage-gated channel subfamily H member 2; minus strand). Cytogenetic location: 7q36.1.
Variant type: Deletion.
Coding change: c.3107_3127del on transcript NM_000238.4 (MANE Select); coding-DNA positions 3107 to 3127, 21 bases deleted (GCGACGTGGAGAGCAGGCTGG).
Protein change: p.Gly1036_Leu1042del.
Molecular consequence: inframe deletion.
Genome position (GRCh38, 1-based): chr7:150,947,353-150,947,373, CCAGCCTGCTCTCCACGTCGC deleted on the plus strand (GCGACGTGGAGAGCAGGCTGG on the coding strand, the reverse complement: KCNH2 is on the minus strand); deleting any 21 consecutive bases within chr7:150,947,353-150,947,375 gives the same sequence; the c. name uses the placement nearest the transcript's 3' end. VCF-style (leftmost placement, unchanged base first): chr7-150947352-TCCAGCCTGCTCTCCACGTCGC-T. GRCh37 (hg19) VCF-style: chr7-150644440-TCCAGCCTGCTCTCCACGTCGC-T.
Other names: c.3107_3127delGCGACGTGGAGAGCAGGCTGG (NM_000238.3); c.2087_2107del, p.Gly696_Leu702del (NM_172057.3).
Identifiers: ClinVar variation 405356 (VCV000405356.8), dbSNP rs1064792917, ClinGen allele CA16612102.

ClinVar aggregate classification (germline): Uncertain significance (1 of 4 stars; one submission).

Conditions:
Long QT syndrome (LQTS). Identifiers: MedGen C0023976, MeSH D008133, MONDO:0002442. Disease mechanism: loss of function. Inheritance: Various modes of inheritance.

Submission:

Labcorp Genetics (formerly Invitae), Labcorp
Classification: Uncertain significance for Long QT syndrome. Last evaluated: 2017-03-18. Review status: criteria provided, single submitter. Criteria: Invitae Variant Classification Sherloc (09022015). Collection method: clinical testing. Allele origin: germline.
Comment: This sequence change deletes 21 nucleotides from exon 13 of the KCNH2 mRNA (c.3107_3127del). This leads to the deletion of 7 amino acid residues in the KCNH2 protein (p.Gly1036_Leu1042del) but otherwise preserves the integrity of the reading frame. This variant is not present in population databases (ExAC no frequency) and has not been reported in the literature in individuals with a KCNH2-related disease. Experimental studies and prediction algorithms are not available for this variant, and the functional significance of the deleted amino acids is currently unknown. In summary, this variant is a novel in-frame deletion with uncertain impact on protein function. It has been classified as a Variant of Uncertain Significance.